The following is an entry in ClinVar:

NM_000135.4(FANCA):c.3083T>C (p.Leu1028Pro)

Gene: FANCA (FA complementation group A; minus strand). Cytogenetic location: 16q24.3.
Variant type: single nucleotide variant.
Coding change: c.3083T>C on transcript NM_000135.4 (MANE Select); coding-DNA position 3083, T replaced by C.
Protein change: p.Leu1028Pro; replaces leucine 1028 with proline.
Molecular consequence: missense variant.
Genome position (GRCh38, 1-based): chr16:89,749,886, A>G on the plus strand (T>C on the coding strand, the complement: FANCA is on the minus strand). VCF-style: chr16-89749886-A-G. GRCh37 (hg19) VCF-style: chr16-89816294-A-G.
Other names: c.3083T>C, p.Leu1028Pro (NM_001286167.3); short protein forms L1028P.
Identifiers: ClinVar variation 4826918 (VCV004826918.1).

ClinVar aggregate classification (germline): Uncertain significance (1 of 4 stars; one submission).

Conditions:
Inborn genetic diseases. Identifiers: MedGen C0950123, MeSH D030342.

Submission:

Ambry Genetics
Classification: Uncertain significance for Inborn genetic diseases. Last evaluated: 2026-03-09. Review status: criteria provided, single submitter. Criteria: Ambry Variant Classification Scheme 2023. Collection method: clinical testing. Allele origin: germline.
Comment: The p.L1028P variant (also known as c.3083T>C), located in coding exon 32 of the FANCA gene, results from a T to C substitution at nucleotide position 3083. The leucine at codon 1028 is replaced by proline, an amino acid with similar properties. This amino acid position is conserved. In addition, this alteration is predicted to be deleterious by in silico analysis. Based on the available evidence, the clinical significance of this variant remains unclear.